The following is an entry in ClinVar:

ClinVar aggregate classification (germline): Uncertain significance (1 of 4 stars; one submission).

Conditions:
Leigh syndrome (NULS). Also called: Leigh's necrotizing encephalopathy; Leigh's disease; Leigh's syndrome; LEIGH SYNDROME, NUCLEAR; Leigh Syndrome (mtDNA deletion); Leigh Disease. Identifiers: Orphanet 506, MedGen C2931891, MONDO:0009723, OMIM 256000.

Submission:

Wong Mito Lab, Molecular and Human Genetics, Baylor College of Medicine
Classification: Uncertain significance for Leigh syndrome. Last evaluated: 2019-10-17. Review status: criteria provided, single submitter. Criteria: Modified ACMG Guidelines (Unpublished). Collection method: clinical testing. Allele origin: germline.
Comment: The NC_012920.1:m.14973G>A (YP_003024038.1:p.Gly76Asp) variant in MTCYB gene is interpretated to be a Uncertain Significance variant based on the modified ACMG guidelines (unpublished). This variant meets the following evidence codes: PP7

NC_012920.1(MT-CYB):m.14973G>A

Gene: MT-CYB (mitochondrially encoded cytochrome b; plus strand).
Variant type: single nucleotide variant.
Genome position: chrM-14973-G-A.
Identifiers: ClinVar variation 693799 (VCV000693799.1), dbSNP rs1603224995, ClinGen allele CA645611444.